The following is an entry in ClinVar:

ClinVar aggregate classification (germline): Pathogenic/Likely pathogenic. Review status: criteria provided, multiple submitters, no conflicts (2 of 4 stars). 2 submissions from 2 submitters: Pathogenic (1); Likely pathogenic (1). Last evaluated 2026-04-19.

Conditions:
Asphyxiating thoracic dystrophy 3. Also called: Short rib polydactyly syndrome 2B; SHORT-RIB THORACIC DYSPLASIA 3 WITH OR WITHOUT POLYDACTYLY; POLYDACTYLY WITH NEONATAL CHONDRODYSTROPHY, TYPE I; SHORT-RIB THORACIC DYSPLASIA 3/6 WITH POLYDACTYLY, DIGENIC; Saldino-Noonan Syndrome. Identifiers: Orphanet 474, Orphanet 93269, Orphanet 93270, Orphanet 93271, MedGen C0036069, MONDO:0013127, OMIM 613091.

Submissions (2):

Myriad Genetics, Inc.
Classification: Pathogenic for Asphyxiating thoracic dystrophy 3. Last evaluated: 2026-04-19. Review status: criteria provided, single submitter. Criteria: Myriad Autosomal Dominant, Autosomal Recessive and X-Linked Classification Criteria (2023). Collection method: clinical testing. Allele origin: unknown.
Comment: NM_001377.2(DYNC2H1):c.5578C>T(Q1860*) is expected to be pathogenic in the context of DYNC2H1-related disorders. This variant is predicted to lead to an abnormal or absent protein product due to the creation of a premature termination codon in DYNC2H1, a gene where loss-of-function variants are known to be pathogenic. Please note: this variant was assessed in the context of healthy population screening.

Fulgent Genetics
Classification: Likely pathogenic for Asphyxiating thoracic dystrophy 3. Last evaluated: 2024-03-06. Review status: criteria provided, single submitter. Criteria: ACMG Guidelines, 2015. Collection method: clinical testing. Allele origin: germline.

NM_001377.3(DYNC2H1):c.5578C>T (p.Gln1860Ter)

Gene: DYNC2H1 (dynein cytoplasmic 2 heavy chain 1; plus strand). Cytogenetic location: 11q22.3.
Variant type: single nucleotide variant.
Coding change: c.5578C>T on transcript NM_001377.3 (MANE Select); coding-DNA position 5578, C replaced by T.
Protein change: p.Gln1860Ter; replaces glutamine 1860 with a stop codon.
Molecular consequence: nonsense.
Genome position (GRCh38, 1-based): chr11:103,174,074, C>T. VCF-style: chr11-103174074-C-T. GRCh37 (hg19) VCF-style: chr11-103044803-C-T.
Other names: c.5578C>T, p.Gln1860Ter (NM_001080463.2); short protein forms Q1860*.
Identifiers: ClinVar variation 3598881 (VCV003598881.2).
Genomic context (GRCh38, chr11:103,174,074, plus strand): 5'-TCTAGCTATTTGATGTGTTGATTTCCATGTCTCTATTTCAGGGAACTTTTGACACCTCAG[C>T]AACATTATGATTGGGGTTTGAGAGCTTTGAAGACAGTTCTGAGAGGAAGTGGAAATCTCC-3'